The following is an entry in ClinVar:

ClinVar aggregate classification (germline): Pathogenic (1 of 4 stars; one submission).

Conditions:
Muscular dystrophy-dystroglycanopathy (congenital with brain and eye anomalies), type A, 7. Also called: WALKER-WARBURG SYNDROME OR MUSCLE-EYE-BRAIN DISEASE, ISPD-RELATED; Congenital muscular dystrophy-dystroglycanopathy with brain and eye anomalies, type A7. Identifiers: Orphanet 899, MedGen C3553330, MONDO:0013835, OMIM 614643.
Autosomal recessive limb-girdle muscular dystrophy type 2U. Also called: Muscular dystrophy-dystroglycanopathy (limb-girdle), type c, 7; MUSCULAR DYSTROPHY, LIMB-GIRDLE, TYPE 2U. Identifiers: Orphanet 352479, MedGen C5190987, MONDO:0014474, OMIM 616052.

Submission:

Labcorp Genetics (formerly Invitae), Labcorp
Classification: Pathogenic for Muscular dystrophy-dystroglycanopathy (congenital with brain and eye anomalies), type A, 7; Autosomal recessive limb-girdle muscular dystrophy type 2U. Last evaluated: 2022-07-19. Review status: criteria provided, single submitter. Criteria: Invitae Variant Classification Sherloc (09022015). Collection method: clinical testing. Allele origin: germline.
Comment: For these reasons, this variant has been classified as Pathogenic. This variant has not been reported in the literature in individuals affected with ISPD-related conditions. This variant is a gross deletion of the genomic region encompassing exon(s) 1 of the ISPD gene, which includes the initiator codon. This deletion extends beyond the assayed region for this gene and therefore may encompass additional genes. It is expected to result in an absent or disrupted protein product. Loss-of-function variants in ISPD are known to be pathogenic (PMID: 23288328).

Literature cited by the submitters: PubMed 23288328.

NC_000007.13:g.(?_16460671)_(16460947_?)del

Gene: CRPPA (CDP-L-ribitol pyrophosphorylase A; minus strand). Cytogenetic location: 7p21.2.
Variant type: Deletion.
Identifiers: ClinVar variation 1680630 (VCV001680630.6).